The following is an entry in ClinVar:

ClinVar aggregate classification (germline): Conflicting classifications of pathogenicity. Review status: criteria provided, conflicting classifications (1 of 4 stars). 3 submissions from 3 submitters: Uncertain significance (1); Likely benign (1). 1 of the submissions does not count toward it. Last evaluated 2025-10-16.

Conditions:
WFS1-related disorder. Identifiers: MedGen CN379391, MONDO:0700293.

Allele frequency attached by ClinVar (database versions not stated): gnomAD exomes 0.00009 and 0.00020; ExAC 0.00026; 1000 Genomes Project 0.00040; 1000 Genomes Project 30x 0.00062; TOPMed 0.00002; gnomAD 0.00003 and 0.00005.
gnomAD v4.1: 136 of 1,612,200 alleles (0.0084%); highest among the groups gnomAD compares: South Asian, 0.1%; 3 homozygotes.

Submissions (3):

Labcorp Genetics (formerly Invitae), Labcorp
Classification: Likely benign. Last evaluated: 2025-10-16. Review status: criteria provided, single submitter. Criteria: Invitae Variant Classification Sherloc (09022015). Collection method: clinical testing. Allele origin: germline.

GeneDx
Classification: Uncertain significance. Last evaluated: 2025-08-02. Review status: criteria provided, single submitter. Criteria: GeneDx Variant Classification Process June 2021. Collection method: clinical testing. Allele origin: germline. Affected: yes.
Comment: In silico analysis supports that this missense variant has a deleterious effect on protein structure/function; Has not been previously published as pathogenic or benign to our knowledge

PreventionGenetics, part of Exact Sciences
Classification: Uncertain significance for WFS1-related condition. Last evaluated: 2024-03-12. Review status: no assertion criteria provided. Collection method: clinical testing. Allele origin: germline. Not counted in ClinVar's aggregate classification.
Comment: The WFS1 c.1406C>T variant is predicted to result in the amino acid substitution p.Ser469Leu. To our knowledge, this variant has not been reported in the literature. This variant is reported in 0.13% of alleles in individuals of South Asian descent in gnomAD, including 3 homozygotes in gnomAD v.4.0.0. Although we suspect that this variant may be benign, at this time, the clinical significance of this variant is uncertain due to the absence of conclusive functional and genetic evidence.

NM_006005.3(WFS1):c.1406C>T (p.Ser469Leu)

Gene: WFS1 (wolframin ER transmembrane glycoprotein; plus strand). Cytogenetic location: 4p16.1.
Variant type: single nucleotide variant.
Coding change: c.1406C>T on transcript NM_006005.3 (MANE Select); coding-DNA position 1406, C replaced by T.
Protein change: p.Ser469Leu; replaces serine 469 with leucine.
Molecular consequence: missense variant.
Genome position (GRCh38, 1-based): chr4:6,301,201, C>T. VCF-style: chr4-6301201-C-T. GRCh37 (hg19) VCF-style: chr4-6302928-C-T.
Other names: c.1406C>T, p.Ser469Leu (NM_001145853.1); short protein forms S469L.
Identifiers: ClinVar variation 1587484 (VCV001587484.10), dbSNP rs571306161, ClinGen allele CA2839336.